The following is an entry in ClinVar:

NM_006739.4(MCM5):c.2027A>G (p.Glu676Gly)

Gene: MCM5 (minichromosome maintenance complex component 5; plus strand). Cytogenetic location: 22q12.3.
Variant type: single nucleotide variant.
Coding change: c.2027A>G on transcript NM_006739.4 (MANE Select); coding-DNA position 2027, A replaced by G.
Protein change: p.Glu676Gly; replaces glutamic acid 676 with glycine.
Molecular consequence: missense variant.
Genome position (GRCh38, 1-based): chr22:35,423,265, A>G. VCF-style: chr22-35423265-A-G. GRCh37 (hg19) VCF-style: chr22-35819258-A-G.
Other names: c.2027A>G (NM_006739.3); short protein forms E676G.
Identifiers: ClinVar variation 2182883 (VCV002182883.5), dbSNP rs201707560, ClinGen allele CA10205639.
Genomic context (GRCh38, chr22:35,423,265, plus strand): 5'-TGCCCACAGGGGTGGAGGGCTTCACCAGCCAGGAGGACCAGGAGATGCTGAGCCGCATCG[A>G]GAAGCAGCTCAAGCGCCGCTTTGCCATTGGCTCCCAGGTGTCTGAGCACAGCATCATCAA-3'
Protein context (NP_006730.2, residues 666-686): QEDQEMLSRI[Glu676Gly]KQLKRRFAIG

ClinVar aggregate classification (germline): Uncertain significance. Review status: criteria provided, multiple submitters, no conflicts (2 of 4 stars). 2 submissions from 2 submitters: Uncertain significance (2). Last evaluated 2025-03-01.

Allele frequency attached by ClinVar (database versions not stated): gnomAD 0.00007; TOPMed 0.00007; ESP Exome Variant Server 0.00008; gnomAD exomes 0.00009; ExAC 0.00014.
gnomAD v4.1: 143 of 1,606,492 alleles (0.0089%); highest among the groups gnomAD compares: Non-Finnish European, 0.012%; no homozygotes.

Submissions (2):

Labcorp Genetics (formerly Invitae), Labcorp
Classification: Uncertain significance. Last evaluated: 2025-03-01. Review status: criteria provided, single submitter. Criteria: Invitae Variant Classification Sherloc (09022015). Collection method: clinical testing. Allele origin: germline.
Comment: This sequence change replaces glutamic acid, which is acidic and polar, with glycine, which is neutral and non-polar, at codon 676 of the MCM5 protein (p.Glu676Gly). This variant is present in population databases (rs201707560, gnomAD 0.02%). This variant has not been reported in the literature in individuals affected with MCM5-related conditions. ClinVar contains an entry for this variant (Variation ID: 2182883). Invitae Evidence Modeling of protein sequence and biophysical properties (such as structural, functional, and spatial information, amino acid conservation, physicochemical variation, residue mobility, and thermodynamic stability) indicates that this missense variant is expected to disrupt MCM5 protein function with a positive predictive value of 80%. In summary, the available evidence is currently insufficient to determine the role of this variant in disease. Therefore, it has been classified as a Variant of Uncertain Significance.

Ambry Genetics
Classification: Uncertain significance. Last evaluated: 2022-12-06. Review status: criteria provided, single submitter. Criteria: Ambry Variant Classification Scheme 2023. Collection method: clinical testing. Allele origin: germline.